The following is an entry in ClinVar:

NM_003660.4(PPFIA3):c.2560C>G (p.Pro854Ala)

Gene: PPFIA3 (PTPRF interacting protein alpha 3; plus strand). Cytogenetic location: 19q13.33.
Variant type: single nucleotide variant.
Coding change: c.2560C>G on transcript NM_003660.4 (MANE Select); coding-DNA position 2560, C replaced by G.
Protein change: p.Pro854Ala; replaces proline 854 with alanine.
Molecular consequence: missense variant. On other transcripts: non-coding transcript variant (1).
Genome position (GRCh38, 1-based): chr19:49,142,819, C>G. VCF-style: chr19-49142819-C-G. GRCh37 (hg19) VCF-style: chr19-49646076-C-G.
Other names: short protein forms P854A.
Identifiers: ClinVar variation 3371944 (VCV003371944.1).
Genomic context (GRCh38, chr19:49,142,819, plus strand): 5'-CCTCTGTCCCTCTGTCCCCTCTGTCCCTCTGTCCCTCCGCTGCAGCTGTGGGTGGGCATG[C>G]CTGCCTGGTATGTGGCCGCCTGCCGGGCCAATGTCAAGAGCGGTGCCATCATGGCCAACC-3'
Protein context (NP_003651.1, residues 844-864): VSWLELWVGM[Pro854Ala]AWYVAACRAN

ClinVar aggregate classification (germline): Uncertain significance (1 of 4 stars; one submission).

Submission:

GeneDx
Classification: Uncertain significance. Last evaluated: 2024-04-03. Review status: criteria provided, single submitter. Criteria: GeneDx Variant Classification Process June 2021. Collection method: clinical testing. Allele origin: germline. Affected: yes.
Comment: Not observed at significant frequency in large population cohorts (gnomAD); In silico analysis supports that this missense variant has a deleterious effect on protein structure/function; Has not been previously published as pathogenic or benign to our knowledge